The following is an entry in ClinVar:

NM_001197104.2(KMT2A):c.614A>T (p.Lys205Ile)

Gene: KMT2A (lysine methyltransferase 2A; plus strand). Cytogenetic location: 11q23.3.
Variant type: single nucleotide variant.
Coding change: c.614A>T on transcript NM_001197104.2 (MANE Select); coding-DNA position 614, A replaced by T.
Protein change: p.Lys205Ile; replaces lysine 205 with isoleucine.
Molecular consequence: missense variant.
Genome position (GRCh38, 1-based): chr11:118,471,773, A>T. VCF-style: chr11-118471773-A-T. GRCh37 (hg19) VCF-style: chr11-118342488-A-T.
Other names: c.713A>T, p.Lys238Ile (NM_001412597.1); c.614A>T, p.Lys205Ile (NM_005933.4); short protein forms K205I, K238I.
Identifiers: ClinVar variation 4688736 (VCV004688736.1).

ClinVar aggregate classification (germline): Uncertain significance (1 of 4 stars; one submission).

Submission:

Women's Health and Genetics/Laboratory Corporation of America, LabCorp
Classification: Uncertain significance. Last evaluated: 2025-12-29. Review status: criteria provided, single submitter. Criteria: LabCorp Variant Classification Summary - May 2015. Collection method: clinical testing. Allele origin: germline.
Comment: Variant summary: KMT2A c.614A>T (p.Lys205Ile) results in a non-conservative amino acid change in the encoded protein sequence. Algorithms developed to predict the effect of missense changes on protein structure and function are either unavailable or do not agree on the potential impact of this missense change. The variant was absent in 250802 control chromosomes. The available data on variant occurrences in the general population are insufficient to allow any conclusion about variant significance. To our knowledge, no occurrence of c.614A>T in individuals affected with KMT2A-related conditions and no experimental evidence demonstrating its impact on protein function have been reported. No submitters have cited clinical-significance assessments for this variant to ClinVar. Based on the evidence outlined above, the variant was classified as uncertain significance.